The following is an entry in ClinVar:

NM_001164508.2(NEB):c.613-1G>A

Gene: NEB (nebulin; minus strand). Cytogenetic location: 2q23.3.
Variant type: single nucleotide variant.
Coding change: c.613-1G>A on transcript NM_001164508.2 (MANE Select); the canonical splice acceptor site of the intron before coding-DNA position 613, G replaced by A.
Molecular consequence: splice acceptor variant.
Genome position (GRCh38, 1-based): chr2:151,723,487, C>T on the plus strand (G>A on the coding strand, the complement: NEB is on the minus strand). VCF-style: chr2-151723487-C-T. GRCh37 (hg19) VCF-style: chr2-152580001-C-T.
Other names: c.613-1G>A (NM_001271208.1, NM_004543.5, NM_001164507.2 and 1 more transcripts).
Identifiers: ClinVar variation 1067309 (VCV001067309.8), dbSNP rs767693366, ClinGen allele CA348791703.

ClinVar aggregate classification (germline): Likely pathogenic. Review status: criteria provided, multiple submitters, no conflicts (2 of 4 stars). 2 submissions from 2 submitters: Likely pathogenic (2). Last evaluated 2023-08-10.

Conditions:
Arthrogryposis multiplex congenita 6. Identifiers: MedGen C5543431, MONDO:0030281, OMIM 619334.
Nemaline myopathy 2 (NEM2). Also called: Nemaline myopathy 2, autosomal recessive. Identifiers: MedGen C1850569, MONDO:0009725, OMIM 256030.

gnomAD v4.1: 1 of 1,596,786 alleles (0.000063%); highest among the groups gnomAD compares: Non-Finnish European, 0.000085%; no homozygotes.

Submissions (2):

Baylor Genetics
Classification: Likely pathogenic for Arthrogryposis multiplex congenita 6. Last evaluated: 2023-08-10. Review status: criteria provided, single submitter. Criteria: ACMG Guidelines, 2015. Collection method: clinical testing. Allele origin: unknown.

Labcorp Genetics (formerly Invitae), Labcorp
Classification: Likely pathogenic for Nemaline myopathy 2. Last evaluated: 2020-04-22. Review status: criteria provided, single submitter. Criteria: Invitae Variant Classification Sherloc (09022015). Collection method: clinical testing. Allele origin: germline.
Comment: This sequence change affects an acceptor splice site in intron 8 of the NEB gene. It is expected to disrupt RNA splicing and likely results in an absent or disrupted protein product. This variant is not present in population databases (ExAC no frequency). This variant has not been reported in the literature in individuals with NEB-related conditions. Algorithms developed to predict the effect of sequence changes on RNA splicing suggest that this variant may disrupt the consensus splice site, but this prediction has not been confirmed by published transcriptional studies. Donor and acceptor splice site variants typically lead to a loss of protein function (PMID: 16199547), and loss-of-function variants in NEB are known to be pathogenic (PMID: 25205138). In summary, the currently available evidence indicates that the variant is pathogenic, but additional data are needed to prove that conclusively. Therefore, this variant has been classified as Likely Pathogenic.

Literature cited by the submitters: PubMed 16199547 (cited by Labcorp Genetics (formerly Invitae), Labcorp); PubMed 25205138 (cited by Labcorp Genetics (formerly Invitae), Labcorp).